The following is an entry in ClinVar:

ClinVar aggregate classification (germline): Benign/Likely benign. Review status: criteria provided, multiple submitters, no conflicts (2 of 4 stars). 6 submissions from 6 submitters: Benign (4); Likely benign (1). 1 of the submissions does not count toward it. Last evaluated 2026-01-31.

Conditions:
Alport syndrome. Also called: Hemorrhagic familial nephritis; Hemorrhagic hereditary nephritis; Congenital hereditary hematuria. Identifiers: Orphanet 63, MedGen C1567741, MONDO:0018965.

Allele frequency attached by ClinVar (database versions not stated): gnomAD exomes 0.00111 and 0.00310; ExAC 0.00368; gnomAD 0.01146 and 0.01236; ESP Exome Variant Server 0.01197; TOPMed 0.01309; 1000 Genomes Project 0.01418; 1000 Genomes Project 30x 0.01624.
gnomAD v4.1: 3,424 of 1,614,248 alleles (0.21%); highest among the groups gnomAD compares: African/African-American, 4.1%; 71 homozygotes.

Submissions (6):

Labcorp Genetics (formerly Invitae), Labcorp
Classification: Benign. Last evaluated: 2026-01-31. Review status: criteria provided, single submitter. Criteria: Invitae Variant Classification Sherloc (09022015). Collection method: clinical testing. Allele origin: germline.

Blueprint Genetics
Classification: Likely benign. Last evaluated: 2024-11-26. Review status: criteria provided, single submitter. Criteria: ACMG Guidelines, 2015. Collection method: clinical testing. Allele origin: germline.

Illumina Laboratory Services, Illumina
Classification: Benign for Alport syndrome. Last evaluated: 2018-01-13. Review status: criteria provided, single submitter. Criteria: ICSL Variant Classification Criteria 13 December 2019. Collection method: clinical testing. Allele origin: germline.
Comment: This variant was observed in the ICSL laboratory as part of a predisposition screen in an ostensibly healthy population. It had not been previously curated by ICSL or reported in the Human Gene Mutation Database (HGMD: prior to June 1st, 2018), and was therefore a candidate for classification through an automated scoring system. Utilizing variant allele frequency, disease prevalence and penetrance estimates, and inheritance mode, an automated score was calculated to assess if this variant is too frequent to cause the disease. Based on the score and internal cut-off values, a variant classified as benign is not then subjected to further curation. The score for this variant resulted in a classification of benign for this disease.

GeneDx
Classification: Benign. Last evaluated: 2017-12-18. Review status: criteria provided, single submitter. Criteria: GeneDx Variant Classification (06012015). Collection method: clinical testing. Allele origin: germline. Affected: yes.
Comment: This variant is considered likely benign or benign based on one or more of the following criteria: it is a conservative change, it occurs at a poorly conserved position in the protein, it is predicted to be benign by multiple in silico algorithms, and/or has population frequency not consistent with disease.

Breakthrough Genomics
Classification: Benign. Review status: criteria provided, single submitter. Criteria: ACMG Guidelines, 2015. Collection method: not provided. Allele origin: germline. Inheritance: Autosomal recessive inheritance. Affected: yes.

Natera, Inc.
Classification: Likely benign for Alport syndrome. Last evaluated: 2020-09-16. Review status: no assertion criteria provided. Collection method: clinical testing. Allele origin: germline. Not counted in ClinVar's aggregate classification.

NM_000092.5(COL4A4):c.2796G>A (p.Lys932=)

Gene: COL4A4 (collagen type IV alpha 4 chain; minus strand). Cytogenetic location: 2q36.3.
Variant type: single nucleotide variant.
Coding change: c.2796G>A on transcript NM_000092.5 (MANE Select); coding-DNA position 2796, G replaced by A.
Protein change: p.Lys932=; no amino-acid change (lysine 932 retained).
Molecular consequence: synonymous variant.
Genome position (GRCh38, 1-based): chr2:227,054,658, C>T on the plus strand (G>A on the coding strand, the complement: COL4A4 is on the minus strand). VCF-style: chr2-227054658-C-T. GRCh37 (hg19) VCF-style: chr2-227919374-C-T.
Identifiers: ClinVar variation 334713 (VCV000334713.21), dbSNP rs34591179, ClinGen allele CA2144713.
Genomic context (GRCh38, chr2:227,054,658, plus strand): 5'-GGCCCCTCTCAGTCCCCGGTCTCCAGGAAGGCCAGACATGCCCTTCTCTCCAGGTTCTCC[C>T]TTTGCGCCAGGACATCCCTCTGCACCAGGCTTTCCTCTTTCTCCGGGAAAACCTGGGAAA-3'
Protein context (NP_000083.3, residues 922-942): KPGAEGCPGA[Lys932=]GEPGEKGMSG